The following is an entry in ClinVar:

ClinVar aggregate classification (germline): Uncertain significance (1 of 4 stars; one submission).

Conditions:
Hereditary cancer-predisposing syndrome. Also called: Neoplastic Syndromes, Hereditary; Tumor predisposition; Hereditary Cancer Syndrome; Hereditary neoplastic syndrome. Identifiers: Orphanet 140162, MedGen C0027672, MeSH D009386, MONDO:0015356.

Submission:

Ambry Genetics
Classification: Uncertain significance for Hereditary cancer-predisposing syndrome. Last evaluated: 2024-11-17. Review status: criteria provided, single submitter. Criteria: Ambry Variant Classification Scheme 2023. Collection method: clinical testing. Allele origin: germline.
Comment: The p.D529E variant (also known as c.1587C>G), located in coding exon 15 of the POLE gene, results from a C to G substitution at nucleotide position 1587. The aspartic acid at codon 529 is replaced by glutamic acid, an amino acid with highly similar properties. This amino acid position is conserved. In addition, this alteration is predicted to be tolerated by in silico analysis. Based on the available evidence, the clinical significance of this variant remains unclear.

NM_006231.4(POLE):c.1587C>G (p.Asp529Glu)

Gene: POLE (DNA polymerase epsilon, catalytic subunit; minus strand). Cytogenetic location: 12q24.33.
Variant type: single nucleotide variant.
Coding change: c.1587C>G on transcript NM_006231.4 (MANE Select); coding-DNA position 1587, C replaced by G.
Protein change: p.Asp529Glu; replaces aspartic acid 529 with glutamic acid.
Molecular consequence: missense variant.
Genome position (GRCh38, 1-based): chr12:132,672,726, G>C on the plus strand (C>G on the coding strand, the complement: POLE is on the minus strand). VCF-style: chr12-132672726-G-C. GRCh37 (hg19) VCF-style: chr12-133249312-G-C.
Other names: short protein forms D529E.
Identifiers: ClinVar variation 3422222 (VCV003422222.1).